The following is an entry in ClinVar:

ClinVar aggregate classification (germline): Uncertain significance. Review status: criteria provided, multiple submitters, no conflicts (2 of 4 stars). 2 submissions from 2 submitters: Uncertain significance (2). Last evaluated 2024-11-11.

Conditions:
Familial hemiplegic migraine. Identifiers: MedGen C0338484, MONDO:0000700.

Allele frequency attached by ClinVar (database versions not stated): TOPMed 0.00001.
gnomAD v4.1: 1 of 1,614,226 alleles (0.000062%); highest among the groups gnomAD compares: Non-Finnish European, 0.000085%; no homozygotes.

Submissions (2):

Labcorp Genetics (formerly Invitae), Labcorp
Classification: Uncertain significance for Familial hemiplegic migraine. Last evaluated: 2024-11-11. Review status: criteria provided, single submitter. Criteria: Invitae Variant Classification Sherloc (09022015). Collection method: clinical testing. Allele origin: germline.
Comment: This sequence change replaces arginine, which is basic and polar, with tryptophan, which is neutral and slightly polar, at codon 890 of the ATP1A2 protein (p.Arg890Trp). This variant is not present in population databases (gnomAD no frequency). This variant has not been reported in the literature in individuals affected with ATP1A2-related conditions. ClinVar contains an entry for this variant (Variation ID: 1056237). Invitae Evidence Modeling of protein sequence and biophysical properties (such as structural, functional, and spatial information, amino acid conservation, physicochemical variation, residue mobility, and thermodynamic stability) has been performed for this missense variant. However, the output from this modeling did not meet the statistical confidence thresholds required to predict the impact of this variant on ATP1A2 protein function. In summary, the available evidence is currently insufficient to determine the role of this variant in disease. Therefore, it has been classified as a Variant of Uncertain Significance.

GeneDx
Classification: Uncertain significance. Last evaluated: 2023-03-07. Review status: criteria provided, single submitter. Criteria: GeneDx Variant Classification Process June 2021. Collection method: clinical testing. Allele origin: germline.
Comment: Not observed at significant frequency in large population cohorts (gnomAD); In silico analysis supports that this missense variant has a deleterious effect on protein structure/function; Has not been previously published as pathogenic or benign to our knowledge

NM_000702.4(ATP1A2):c.2668C>T (p.Arg890Trp)

Gene: ATP1A2 (ATPase Na+/K+ transporting subunit alpha 2; plus strand). Cytogenetic location: 1q23.2.
Variant type: single nucleotide variant.
Coding change: c.2668C>T on transcript NM_000702.4 (MANE Select); coding-DNA position 2668, C replaced by T.
Protein change: p.Arg890Trp; replaces arginine 890 with tryptophan.
Molecular consequence: missense variant.
Genome position (GRCh38, 1-based): chr1:160,136,674, C>T. VCF-style: chr1-160136674-C-T. GRCh37 (hg19) VCF-style: chr1-160106464-C-T.
Other names: short protein forms R890W.
Identifiers: ClinVar variation 1056237 (VCV001056237.11), dbSNP rs1651962434, ClinGen allele CA343252194.